The following is an entry in ClinVar:

NM_006892.4(DNMT3B):c.1466_1488del (p.Leu489fs)

Gene: DNMT3B (DNA methyltransferase 3 beta; plus strand). Cytogenetic location: 20q11.21.
Variant type: Deletion.
Coding change: c.1466_1488del on transcript NM_006892.4 (MANE Select); coding-DNA positions 1466 to 1488, 23 bases deleted (TTTGCAGCAACACGAGCTGCTGC).
Protein change: p.Leu489fs; shifts the reading frame from leucine 489.
Molecular consequence: frameshift variant.
Genome position (GRCh38, 1-based): chr20:32,797,275-32,797,297, TTTGCAGCAACACGAGCTGCTGC deleted; deleting any 23 consecutive bases within chr20:32,797,265-32,797,297 gives the same sequence; the c. name uses the placement nearest the transcript's 3' end. VCF-style (leftmost placement, unchanged base first): chr20-32797264-AGAGCTGCTGCTTTGCAGCAACAC-A. GRCh37 (hg19) VCF-style: chr20-31385070-AGAGCTGCTGCTTTGCAGCAACAC-A.
Other names: c.1280_1302del, p.Leu427fs (NM_001207055.2, NM_001424354.1, NM_001424357.1); c.1178_1200del, p.Leu393fs (NM_001207056.2); c.1466_1488del, p.Leu489fs (NM_001424351.1, NM_001424355.1); c.1340_1362del, p.Leu447fs (NM_001424352.1, NM_001424356.1, NM_001424358.1); c.1406_1428del, p.Leu469fs (NM_001424353.1, NM_175848.2, NM_175849.2); c.1442_1464del, p.Leu481fs (NM_001424359.1, NM_175850.3); c.1316_1338del, p.Leu439fs (NM_001424360.1); short protein forms L439fs, L469fs, L481fs, L489fs, L393fs, L427fs, L447fs.
Identifiers: ClinVar variation 2737775 (VCV002737775.3), dbSNP rs745507181, ClinGen allele CA9810594.

ClinVar aggregate classification (germline): Pathogenic (1 of 4 stars; one submission).

Conditions:
Centromeric instability of chromosomes 1,9 and 16 and immunodeficiency (ICF1). Also called: IMMUNE DEFICIENCY, VARIABLE, WITH CENTROMERIC INSTABILITY OF CHROMOSOMES 1, 9, AND 16; IMMUNODEFICIENCY SYNDROME, VARIABLE; Immunodeficiency-centromeric instability-facial anomalies; CENTROMERIC INSTABILITY, IMMUNODEFICIENCY SYNDROME. Identifiers: Orphanet 2268, MedGen C0398788, MONDO:0000133.

Submission:

Labcorp Genetics (formerly Invitae), Labcorp
Classification: Pathogenic for Centromeric instability of chromosomes 1,9 and 16 and immunodeficiency. Last evaluated: 2023-05-10. Review status: criteria provided, single submitter. Criteria: Invitae Variant Classification Sherloc (09022015). Collection method: clinical testing. Allele origin: germline.
Comment: This variant is present in population databases (rs745507181, gnomAD 0.003%). For these reasons, this variant has been classified as Pathogenic. This variant has not been reported in the literature in individuals affected with DNMT3B-related conditions. This sequence change creates a premature translational stop signal (p.Leu489Profs*57) in the DNMT3B gene. It is expected to result in an absent or disrupted protein product. Loss-of-function variants in DNMT3B are known to be pathogenic (PMID: 11102980).

Literature cited by the submitters: PubMed 11102980.